The following is an entry in ClinVar:

ClinVar aggregate classification (germline): Likely pathogenic (0 of 4 stars; one submission).

Conditions:
Retinitis pigmentosa (RP). Identifiers: Orphanet 791, MedGen C0035334, MeSH D012174, MONDO:0019200, OMIM 268000. Inheritance: Autosomal dominant, autosomal recessive and X linked inheritance.

Submissions (5):

Department of Ophthalmology and Visual Sciences Kyoto University
Classification: Likely pathogenic for Retinitis pigmentosa. Review status: no assertion criteria provided. Collection method: not provided. Allele origin: unknown.
ClinVar note: Converted during submission from probable-pathogenic to Likely pathogenic.

Dr. Peter K. Rogan Lab, Western University
No classification provided (evidence only). Condition: Thyroid cancer, nonmedullary, 1. Review status: no classification provided. Collection method: in vitro. Allele origin: not applicable. Functional consequence: skipped exon. Not counted in ClinVar's aggregate classification.

Dr. Peter K. Rogan Lab, Western University
No classification provided (evidence only). Condition: Thyroid cancer, nonmedullary, 1. Review status: no classification provided. Collection method: in vitro. Allele origin: not applicable. Functional consequence: retained intron. Not counted in ClinVar's aggregate classification.

Dr. Peter K. Rogan Lab, Western University
No classification provided (evidence only). Condition: Thyroid cancer, nonmedullary, 1. Review status: no classification provided. Collection method: in vitro. Allele origin: not applicable. Functional consequence: skipped exon, retained intron. Not counted in ClinVar's aggregate classification.

Dr. Peter K. Rogan Lab, Western University
No classification provided (evidence only). Condition: Thyroid cancer, nonmedullary, 1. Review status: no classification provided. Collection method: in vitro. Allele origin: not applicable. Functional consequence: skipped exon. Not counted in ClinVar's aggregate classification.

NM_001034853.2(RPGR):c.1981G>T (p.Glu661Ter)

Gene: RPGR (retinitis pigmentosa GTPase regulator; minus strand). Cytogenetic location: Xp11.4.
Variant type: single nucleotide variant.
Coding change: c.1981G>T on transcript NM_001034853.2 (MANE Select); coding-DNA position 1981, G replaced by T.
Protein change: p.Glu661Ter; replaces glutamic acid 661 with a stop codon.
Molecular consequence: nonsense. On other transcripts: intron variant (8).
Genome position (GRCh38, 1-based): chrX:38,287,018, C>A on the plus strand (G>T on the coding strand, the complement: RPGR is on the minus strand). VCF-style: chrX-38287018-C-A. GRCh37 (hg19) VCF-style: chrX-38146271-C-A.
Other names: NC_000023.10:g.38146271C>A; c.1569+3941G>T (NM_001367249.1, NM_001367250.1); c.1902+76G>T (NM_001367245.1); c.1386+3941G>T (NM_001367251.1); c.1719+76G>T (NM_001367246.1); c.1572+3941G>T (NM_001367247.1); c.1905+76G>T (NM_000328.3); c.1602+3941G>T (NM_001367248.1); short protein forms E661*.
Identifiers: ClinVar variation 143090 (VCV000143090.3), dbSNP rs527236108, ClinGen allele CA270034.